The following is an entry in ClinVar:

NM_001204.7(BMPR2):c.2369A>G (p.Lys790Arg)

Gene: BMPR2 (bone morphogenetic protein receptor type 2; plus strand). Cytogenetic location: 2q33.2.
Variant type: single nucleotide variant.
Coding change: c.2369A>G on transcript NM_001204.7 (MANE Select); coding-DNA position 2369, A replaced by G.
Protein change: p.Lys790Arg; replaces lysine 790 with arginine.
Molecular consequence: missense variant.
Genome position (GRCh38, 1-based): chr2:202,556,034, A>G. VCF-style: chr2-202556034-A-G. GRCh37 (hg19) VCF-style: chr2-203420757-A-G.
Other names: short protein forms K790R.
Identifiers: ClinVar variation 5033082 (VCV005033082.1).
Genomic context (GRCh38, chr2:202,556,034, plus strand): 5'-GGCTAAAATTTGGCAGCAAGCACAAATCAAACTTGAAACAAGTCGAAACTGGAGTTGCCA[A>G]GATGAATACAATCAATGCAGCAGAACCTCATGTGGTGACAGTCACCATGAATGGTGTGGC-3'
Protein context (NP_001195.2, residues 780-800): NLKQVETGVA[Lys790Arg]MNTINAAEPH

ClinVar aggregate classification (germline): Uncertain significance (1 of 4 stars; one submission).

Conditions:
Inborn genetic diseases. Identifiers: MedGen C0950123, MeSH D030342.

Submission:

Ambry Genetics
Classification: Uncertain significance for Inborn genetic diseases. Last evaluated: 2026-07-11. Review status: criteria provided, single submitter. Criteria: Ambry Variant Classification Scheme 2023. Collection method: clinical testing. Allele origin: germline.
Comment: The p.K790R variant (also known as c.2369A>G), located in coding exon 12 of the BMPR2 gene, results from an A to G substitution at nucleotide position 2369. The lysine at codon 790 is replaced by arginine, an amino acid with highly similar properties. This amino acid position is conserved. In addition, the in silico prediction for this alteration is inconclusive. Based on the available evidence, the clinical significance of this variant remains unclear.